The following is an entry in ClinVar:

NM_001081.4(CUBN):c.9007A>T (p.Met3003Leu)

Gene: CUBN (cubilin; minus strand). Cytogenetic location: 10p13.
Variant type: single nucleotide variant.
Coding change: c.9007A>T on transcript NM_001081.4 (MANE Select); coding-DNA position 9007, A replaced by T.
Protein change: p.Met3003Leu; replaces methionine 3003 with leucine.
Molecular consequence: missense variant.
Genome position (GRCh38, 1-based): chr10:16,876,996, T>A on the plus strand (A>T on the coding strand, the complement: CUBN is on the minus strand). VCF-style: chr10-16876996-T-A. GRCh37 (hg19) VCF-style: chr10-16918995-T-A.
Other names: short protein forms M3003L.
Identifiers: ClinVar variation 4984735 (VCV004984735.1).
Genomic context (GRCh38, chr10:16,876,996, plus strand): 5'-TTTGCTCGTTGGAGTAGAAGTTAAGCAGAACCGGCCCAGCGATGGTGAGGGGAGCTGGCA[T>A]CTCATCCCCACACACAGTAGCAAATGGGGTGGACATGACGCTGTAACCTCTGATAATGTG-3'
Protein context (NP_001072.2, residues 2993-3013): TPFATVCGDE[Met3003Leu]PAPLTIAGPV

ClinVar aggregate classification (germline): Uncertain significance (1 of 4 stars; one submission).

Conditions:
CUBN-related disorder. Also called: CUBN-related condition.

gnomAD v4.1: 20 of 1,613,984 alleles (0.0012%); highest among the groups gnomAD compares: South Asian, 0.022%; no homozygotes.

Submission:

PreventionGenetics, part of Exact Sciences
Classification: Uncertain significance for CUBN-related condition. Last evaluated: 2025-08-24. Review status: criteria provided, single submitter. Criteria: ACMG Guidelines, 2015. Collection method: clinical testing. Allele origin: germline.
Comment: The CUBN c.9007A>T variant is predicted to result in the amino acid substitution p.Met3003Leu. To our knowledge, this variant has not been reported in the literature. This variant is reported in 0.020% of alleles in individuals of South Asian descent in gnomAD. At this time, the clinical significance of this variant is uncertain due to the absence of conclusive functional and genetic evidence.